The following is an entry in ClinVar:

NM_002734.5(PRKAR1A):c.973+4T>G

Gene: PRKAR1A (protein kinase cAMP-dependent type I regulatory subunit alpha; plus strand). Cytogenetic location: 17q24.2.
Variant type: single nucleotide variant.
Coding change: c.973+4T>G on transcript NM_002734.5 (MANE Select); 4 bases into the intron after coding-DNA position 973, T replaced by G.
Molecular consequence: intron variant.
Genome position (GRCh38, 1-based): chr17:68,530,005, T>G. VCF-style: chr17-68530005-T-G. GRCh37 (hg19) VCF-style: chr17-66526146-T-G.
Other names: c.973+4T>G (NM_001278433.2, NM_001369389.1, NM_212471.3 and 5 more transcripts).
Identifiers: ClinVar variation 469081 (VCV000469081.12), dbSNP rs1555815055, ClinGen allele CA658658708.
Genomic context (GRCh38, chr17:68,530,005, plus strand): 5'-GGTCAGAAAATGAAGAGTTTGTTGAAGTGGGAAGATTGGGGCCTTCTGATTATTTTGGTA[T>G]GTATGAATTCCCTCACAATAAATACATGGTTTCTTTAAGTCACCTCTCAGTGAGATATTG-3'

ClinVar aggregate classification (germline): Uncertain significance. Review status: criteria provided, multiple submitters, no conflicts (2 of 4 stars). 3 submissions from 3 submitters: Uncertain significance (3). Last evaluated 2026-08-06.

Conditions:
Hereditary cancer-predisposing syndrome. Also called: Tumor predisposition; Hereditary neoplastic syndrome; Neoplastic Syndromes, Hereditary; Hereditary Cancer Syndrome. Identifiers: Orphanet 140162, MedGen C0027672, MeSH D009386, MONDO:0015356.
Carney complex, type 1 (CNC1). Also called: CARNEY COMPLEX, TYPE I; CARNEY MYXOMA-ENDOCRINE COMPLEX. Identifiers: Orphanet 1359, MedGen C2607929, MONDO:0008057, OMIM 160980.

Submissions (3):

OLLIN Analises Genomicas, OLLIN
Classification: Uncertain significance for Carney complex, type 1. Last evaluated: 2026-08-06. Review status: criteria provided, single submitter. Criteria: ACMG Guidelines 2015 PMID 25741868. Collection method: clinical testing. Allele origin: germline.
Comment: This variant is absent from gnomAD and has not been identified in the literature. However, it has been reported in ClinVar (accession VCV000469081.11). Another pathogenic variant has been reported to result in the same amino acid substitution. According to the currently available evidence, this variant has been classified as uncertain significance (PS1_P, PP3, PM2_P).

Ambry Genetics
Classification: Uncertain significance for Hereditary cancer-predisposing syndrome. Last evaluated: 2026-02-18. Review status: criteria provided, single submitter. Criteria: Ambry Variant Classification Scheme 2023. Collection method: clinical testing. Allele origin: germline.
Comment: The c.973+4T>G intronic variant results from a T to G substitution 4 nucleotides after coding exon 9 in the PRKAR1A gene. This nucleotide position is not well conserved in available vertebrate species. In silico splice site analysis predicts that this alteration may result in the creation or strengthening of a novel splice donor site. Based on the available evidence, the clinical significance of this variant remains unclear.

Labcorp Genetics (formerly Invitae), Labcorp
Classification: Uncertain significance for Carney complex, type 1. Last evaluated: 2024-09-27. Review status: criteria provided, single submitter. Criteria: Invitae Variant Classification Sherloc (09022015). Collection method: clinical testing. Allele origin: germline.
Comment: This sequence change falls in intron 10 of the PRKAR1A gene. It does not directly change the encoded amino acid sequence of the PRKAR1A protein. It affects a nucleotide within the consensus splice site. This variant is not present in population databases (gnomAD no frequency). This variant has not been reported in the literature in individuals affected with PRKAR1A-related conditions. ClinVar contains an entry for this variant (Variation ID: 469081). Variants that disrupt the consensus splice site are a relatively common cause of aberrant splicing (PMID: 17576681, 9536098). Algorithms developed to predict the effect of sequence changes on RNA splicing suggest that this variant is not likely to affect RNA splicing. In summary, the available evidence is currently insufficient to determine the role of this variant in disease. Therefore, it has been classified as a Variant of Uncertain Significance.

Literature cited by the submitters: PubMed 17576681 (cited by Labcorp Genetics (formerly Invitae), Labcorp); PubMed 9536098 (cited by Labcorp Genetics (formerly Invitae), Labcorp).